The following is an entry in ClinVar:

NM_001379200.1(TBX1):c.*5G>A

Gene: TBX1 (T-box transcription factor 1; plus strand). Cytogenetic location: 22q11.21.
Variant type: single nucleotide variant.
Coding change: c.*5G>A on transcript NM_001379200.1 (MANE Select); 5 bases downstream of the stop codon, G replaced by A.
Molecular consequence: 3 prime UTR variant. On other transcripts: intron variant (2).
Genome position (GRCh38, 1-based): chr22:19,766,872, G>A. VCF-style: chr22-19766872-G-A. GRCh37 (hg19) VCF-style: chr22-19754395-G-A.
Other names: c.*5G>A (NM_080647.1); c.1009+870G>A (NM_005992.1, NM_080646.2).
Identifiers: ClinVar variation 3768118 (VCV003768118.1).
Genomic context (GRCh38, chr22:19,766,872, plus strand): 5'-TGTACTCGTCGGCCGGAGCCGCGCCGCCCGGCTCCTACGACTATTGCCCCAGATAACACG[G>A]GCCCTGTCGCGCTCCCGCCCCGGTCCTGCACAGCCCCGAAGTTCGCCGGGCCCGGCCACC-3'

ClinVar aggregate classification (germline): Uncertain significance (1 of 4 stars; one submission).

Submission:

Women's Health and Genetics/Laboratory Corporation of America, LabCorp
Classification: Uncertain significance. Last evaluated: 2024-12-11. Review status: criteria provided, single submitter. Criteria: LabCorp Variant Classification Summary - May 2015. Collection method: clinical testing. Allele origin: germline.
Comment: Variant summary: TBX1 c.*5G>A is located in the untranslated mRNA region downstream of the termination codon. The variant was absent in 241472 control chromosomes (gnomAD). To our knowledge, no occurrence of c.*5G>A in individuals affected with TBX1-Related Disorders and no experimental evidence demonstrating its impact on protein function have been reported. No submitters have cited clinical-significance assessments for this variant to ClinVar. Based on the evidence outlined above, the variant was classified as VUS-possibly pathogenic.